The following is an entry in ClinVar:

ClinVar aggregate classification (germline): Benign/Likely benign. Review status: criteria provided, multiple submitters, no conflicts (2 of 4 stars). 3 submissions from 3 submitters: Benign (1); Likely benign (2). Last evaluated 2026-08-03.

Conditions:
Familial colorectal cancer type X. Identifiers: Orphanet 440437, MedGen C3896578, MONDO:0018604.

Allele frequency attached by ClinVar (database versions not stated): 1000 Genomes Project 30x 0.00031; ExAC 0.00002; TOPMed below 0.00001; gnomAD 0.00001; 1000 Genomes Project 0.00040; gnomAD exomes 0.00001.
gnomAD v4.1: 17 of 1,600,934 alleles (0.0011%); highest among the groups gnomAD compares: South Asian, 0.017%; 1 homozygote.

Submissions (3):

Myriad Genetics, Inc.
Classification: Benign for Familial colorectal cancer type X. Last evaluated: 2026-08-03. Review status: criteria provided, single submitter. Criteria: Myriad Autosomal Dominant, Autosomal Recessive and X-Linked Classification Criteria (2023). Collection method: clinical testing. Allele origin: unknown.
Comment: This variant is considered benign. This variant is a silent/synonymous amino acid change and it is not expected to impact splicing.

Labcorp Genetics (formerly Invitae), Labcorp
Classification: Likely benign. Last evaluated: 2025-07-03. Review status: criteria provided, single submitter. Criteria: Invitae Variant Classification Sherloc (09022015). Collection method: clinical testing. Allele origin: germline.

Ambry Genetics
Classification: Likely benign. Last evaluated: 2021-04-30. Review status: criteria provided, single submitter. Criteria: Ambry Variant Classification Scheme 2023. Collection method: clinical testing. Allele origin: germline.

NM_001023.4(RPS20):c.183G>A (p.Leu61=)

Gene: RPS20 (ribosomal protein S20; minus strand). Cytogenetic location: 8q12.1.
Variant type: single nucleotide variant.
Coding change: c.183G>A on transcript NM_001023.4 (MANE Select); coding-DNA position 183, G replaced by A.
Protein change: p.Leu61=; no amino-acid change (leucine 61 retained).
Molecular consequence: synonymous variant.
Genome position (GRCh38, 1-based): chr8:56,073,267, C>T on the plus strand (G>A on the coding strand, the complement: RPS20 is on the minus strand). VCF-style: chr8-56073267-C-T. GRCh37 (hg19) VCF-style: chr8-56985826-C-T.
Other names: c.183G>A, p.Leu61= (NM_001146227.3).
Identifiers: ClinVar variation 1781125 (VCV001781125.5), dbSNP rs568734901, ClinGen allele CA4754330.